The following is an entry in ClinVar:

ClinVar aggregate classification (germline): Benign/Likely benign. Review status: criteria provided, multiple submitters, no conflicts (2 of 4 stars). 6 submissions from 6 submitters: Benign (1); Likely benign (2). 3 of the submissions do not count toward it. Last evaluated 2026-02-03.

Conditions:
Primary dilated cardiomyopathy (DCM). Also called: Dilated Cardiomyopathy. Identifiers: Orphanet 217604, MedGen C0007193, MeSH D002311, MONDO:0005021, HP:0001644. Inheritance: Various modes of inheritance.
TXNRD2-related disorder. Also called: TXNRD2-related condition.
Cardiovascular phenotype. Identifiers: MedGen CN230736.

Allele frequency attached by ClinVar (database versions not stated): gnomAD 0.00020; TOPMed 0.00036; 1000 Genomes Project 0.00040; 1000 Genomes Project 30x 0.00047.
gnomAD v4.1: 219 of 1,613,406 alleles (0.014%); highest among the groups gnomAD compares: East Asian, 0.33%; no homozygotes.

Submissions (6):

Labcorp Genetics (formerly Invitae), Labcorp
Classification: Benign for Primary dilated cardiomyopathy. Last evaluated: 2026-02-03. Review status: criteria provided, single submitter. Criteria: Invitae Variant Classification Sherloc (09022015). Collection method: clinical testing. Allele origin: germline.

GeneDx
Classification: Likely benign. Last evaluated: 2021-04-23. Review status: criteria provided, single submitter. Criteria: GeneDx Variant Classification Process June 2021. Collection method: clinical testing. Allele origin: germline. Affected: yes.

Ambry Genetics
Classification: Likely benign for Cardiovascular phenotype. Last evaluated: 2016-01-06. Review status: criteria provided, single submitter. Criteria: Ambry Variant Classification Scheme 2023. Collection method: clinical testing. Allele origin: germline.

PreventionGenetics, part of Exact Sciences
Classification: Likely benign for TXNRD2-related condition. Last evaluated: 2019-10-28. Review status: no assertion criteria provided. Collection method: clinical testing. Allele origin: germline. Not counted in ClinVar's aggregate classification.
Comment: This variant is classified as likely benign based on ACMG/AMP sequence variant interpretation guidelines (Richards et al. 2015 PMID: 25741868, with internal and published modifications).

Clinical Genetics DNA and cytogenetics Diagnostics Lab, Erasmus MC, Erasmus Medical Center
Classification: Likely benign. Review status: no assertion criteria provided. Collection method: clinical testing. Allele origin: germline. Affected: yes. Study: VKGL Data-share Consensus. Not counted in ClinVar's aggregate classification.

Diagnostic Laboratory, Department of Genetics, University Medical Center Groningen
Classification: Likely benign. Review status: no assertion criteria provided. Collection method: clinical testing. Allele origin: germline. Affected: yes. Study: VKGL Data-share Consensus. Not counted in ClinVar's aggregate classification.

NM_006440.5(TXNRD2):c.1137G>C (p.Val379=)

Gene: TXNRD2 (thioredoxin reductase 2; minus strand). Cytogenetic location: 22q11.21.
Variant type: single nucleotide variant.
Coding change: c.1137G>C on transcript NM_006440.5 (MANE Select); coding-DNA position 1137, G replaced by C.
Protein change: p.Val379=; no amino-acid change (valine 379 retained).
Molecular consequence: synonymous variant. On other transcripts: non-coding transcript variant (1).
Genome position (GRCh38, 1-based): chr22:19,880,667, C>G on the plus strand (G>C on the coding strand, the complement: TXNRD2 is on the minus strand). VCF-style: chr22-19880667-C-G. GRCh37 (hg19) VCF-style: chr22-19868190-C-G.
Other names: c.1134G>C, p.Val378= (NM_001352300.2); c.1047G>C, p.Val349= (NM_001352301.2); c.849G>C, p.Val283= (NM_001352302.2).
Identifiers: ClinVar variation 509261 (VCV000509261.25), dbSNP rs184640901, ClinGen allele CA10103792.